The following is an entry in ClinVar:

ClinVar aggregate classification (germline): Uncertain significance (1 of 4 stars; one submission).

Submission:

GeneDx
Classification: Uncertain significance. Last evaluated: 2022-06-07. Review status: criteria provided, single submitter. Criteria: GeneDx Variant Classification Process June 2021. Collection method: clinical testing. Allele origin: germline. Affected: yes.
Comment: Not observed at significant frequency in large population cohorts (gnomAD); In silico analysis supports that this missense variant has a deleterious effect on protein structure/function; Has not been previously published as pathogenic or benign to our knowledge

NM_013436.5(NCKAP1):c.976G>A (p.Glu326Lys)

Gene: NCKAP1 (NCK associated protein 1; minus strand). Cytogenetic location: 2q32.1.
Variant type: single nucleotide variant.
Coding change: c.976G>A on transcript NM_013436.5 (MANE Select); coding-DNA position 976, G replaced by A.
Protein change: p.Glu326Lys; replaces glutamic acid 326 with lysine.
Molecular consequence: missense variant.
Genome position (GRCh38, 1-based): chr2:182,986,199, C>T on the plus strand (G>A on the coding strand, the complement: NCKAP1 is on the minus strand). VCF-style: chr2-182986199-C-T. GRCh37 (hg19) VCF-style: chr2-183850927-C-T.
Other names: c.994G>A, p.Glu332Lys (NM_205842.3); short protein forms E326K, E332K.
Identifiers: ClinVar variation 1803343 (VCV001803343.1), dbSNP rs2468650275, ClinGen allele CA349752885.